The following is an entry in ClinVar:

NM_152564.5(VPS13B):c.7248-1G>C

Gene: VPS13B (vacuolar protein sorting 13 homolog B; plus strand). Cytogenetic location: 8q22.2.
Variant type: single nucleotide variant.
Coding change: c.7248-1G>C on transcript NM_152564.5 (MANE Select); the canonical splice acceptor site of the intron before coding-DNA position 7248, G replaced by C.
Molecular consequence: splice acceptor variant.
Genome position (GRCh38, 1-based): chr8:99,776,774, G>C. VCF-style: chr8-99776774-G-C. GRCh37 (hg19) VCF-style: chr8-100789002-G-C.
Other names: c.7323-1G>C (NM_017890.5).
Identifiers: ClinVar variation 1484250 (VCV001484250.8), dbSNP rs763079458, ClinGen allele CA371875532.

ClinVar aggregate classification (germline): Likely pathogenic (1 of 4 stars; one submission).

Conditions:
Cohen syndrome (COH1). Also called: PEPPER SYNDROME; Cutis verticis gyrata, retinitis pigmentosa, and sensorineural deafness. Identifiers: Orphanet 193, MedGen C0265223, MONDO:0008999, OMIM 216550.

Submission:

Labcorp Genetics (formerly Invitae), Labcorp
Classification: Likely pathogenic for Cohen syndrome. Last evaluated: 2021-01-15. Review status: criteria provided, single submitter. Criteria: Invitae Variant Classification Sherloc (09022015). Collection method: clinical testing. Allele origin: germline.
Comment: In summary, the currently available evidence indicates that the variant is pathogenic, but additional data are needed to prove that conclusively. Therefore, this variant has been classified as Likely Pathogenic. Algorithms developed to predict the effect of sequence changes on RNA splicing suggest that this variant may disrupt the consensus splice site, but this prediction has not been confirmed by published transcriptional studies. This variant has not been reported in the literature in individuals with VPS13B-related conditions. This variant is not present in population databases (ExAC no frequency). This sequence change affects an acceptor splice site in intron 40 of the VPS13B gene. It is expected to disrupt RNA splicing. Variants that disrupt the donor or acceptor splice site typically lead to a loss of protein function (PMID: 16199547), and loss-of-function variants in VPS13B are known to be pathogenic (PMID: 15141358, 16648375, 20461111).

Literature cited by the submitters: PubMed 16199547; PubMed 15141358; PubMed 16648375; PubMed 20461111.